The following is an entry in ClinVar:

ClinVar aggregate classification (germline): Likely benign (1 of 4 stars; one submission).

Allele frequency attached by ClinVar (database versions not stated): gnomAD 0.00066; TOPMed 0.00094; 1000 Genomes Project 30x 0.00141; 1000 Genomes Project 0.00280.
gnomAD v4.1: 134 of 398,608 alleles (0.034%); highest among the groups gnomAD compares: African/African-American, 0.25%; no homozygotes.

Submission:

CeGaT Center for Human Genetics Tuebingen
Classification: Likely benign. Last evaluated: 2024-06-01. Review status: criteria provided, single submitter. Criteria: CeGaT Center For Human Genetics Tuebingen Variant Classification Criteria Version 2. Collection method: clinical testing. Allele origin: germline. Affected: yes. Observed: 1 variant allele.
Comment: KCNQ1OT1: BS1

NM_000218.3(KCNQ1):c.1514+20091C>T

Genes: KCNQ1 (potassium voltage-gated channel subfamily Q member 1; plus strand), KCNQ1OT1 (KCNQ1 opposite strand/antisense transcript 1; minus strand). Cytogenetic location: 11p15.5.
Variant type: single nucleotide variant.
Coding change: c.1514+20091C>T on transcript NM_000218.3 (MANE Select); 20091 bases into the intron after coding-DNA position 1514, C replaced by T.
Molecular consequence: intron variant. On other transcripts: non-coding transcript variant (1).
Genome position (GRCh38, 1-based): chr11:2,682,172, C>T. VCF-style: chr11-2682172-C-T. GRCh37 (hg19) VCF-style: chr11-2703402-C-T.
Other names: c.974+20091C>T (NM_001406838.1); c.1133+20091C>T (NM_181798.2); c.1244+20091C>T (NM_001406837.1); c.1418+20091C>T (NM_001406836.1).
Identifiers: ClinVar variation 3250935 (VCV003250935.18), dbSNP rs531420343.